The following is an entry in ClinVar:

ClinVar aggregate classification (germline): Uncertain significance. Review status: criteria provided, multiple submitters, no conflicts (2 of 4 stars). 2 submissions from 2 submitters: Uncertain significance (2). Last evaluated 2026-07-06.

Conditions:
Hereditary cancer-predisposing syndrome. Also called: Tumor predisposition; Hereditary Cancer Syndrome; Hereditary neoplastic syndrome; Neoplastic Syndromes, Hereditary. Identifiers: Orphanet 140162, MedGen C0027672, MeSH D009386, MONDO:0015356.

Submissions (2):

Ambry Genetics
Classification: Uncertain significance for Hereditary cancer-predisposing syndrome. Last evaluated: 2026-07-06. Review status: criteria provided, single submitter. Criteria: Ambry Variant Classification Scheme 2023. Collection method: clinical testing. Allele origin: germline.
Comment: The p.Y217F variant (also known as c.650A>T), located in coding exon 7 of the NF2 gene, results from an A to T substitution at nucleotide position 650. The tyrosine at codon 217 is replaced by phenylalanine, an amino acid with highly similar properties. This amino acid position is conserved. In addition, the in silico prediction for this alteration is inconclusive. Based on the available evidence, the clinical significance of this variant remains unclear.

GeneDx
Classification: Uncertain significance. Last evaluated: 2023-11-29. Review status: criteria provided, single submitter. Criteria: GeneDx Variant Classification Process June 2021. Collection method: clinical testing. Allele origin: germline. Affected: yes.
Comment: Not observed at significant frequency in large population cohorts (gnomAD); In silico analysis supports that this missense variant has a deleterious effect on protein structure/function; Has not been previously published as pathogenic or benign to our knowledge; This variant is associated with the following publications: (PMID: 11756419, 16324214)

NM_000268.4(NF2):c.650A>T (p.Tyr217Phe)

Gene: NF2 (NF2, moesin-ezrin-radixin like (MERLIN) tumor suppressor; plus strand). Cytogenetic location: 22q12.2.
Variant type: single nucleotide variant.
Coding change: c.650A>T on transcript NM_000268.4 (MANE Select); coding-DNA position 650, A replaced by T.
Protein change: p.Tyr217Phe; replaces tyrosine 217 with phenylalanine.
Molecular consequence: missense variant. On other transcripts: intron variant (1).
Genome position (GRCh38, 1-based): chr22:29,658,239, A>T. VCF-style: chr22-29658239-A-T. GRCh37 (hg19) VCF-style: chr22-30054228-A-T.
Other names: c.527A>T, p.Tyr176Phe (NM_181829.3, NM_001407054.1, NM_001407058.1 and 1 more transcripts); c.401A>T, p.Tyr134Phe (NM_181830.3, NM_181831.3, NM_001407063.1 and 1 more transcripts); c.650A>T, p.Tyr217Phe (NM_181832.3, NM_001407057.1, NM_001407059.1 and 4 more transcripts); c.447+15954A>T (NM_181833.3); c.536A>T, p.Tyr179Phe (NM_001407053.1, NM_001407056.1); c.524A>T, p.Tyr175Phe (NM_001407055.1, NM_181828.3); c.116A>T, p.Tyr39Phe (NM_001407065.1); c.419A>T, p.Tyr140Phe (NM_001407067.1); short protein forms Y134F, Y140F, Y175F, Y176F, Y179F, Y217F, Y39F.
Identifiers: ClinVar variation 3365039 (VCV003365039.2).